The following is an entry in ClinVar:

ClinVar aggregate classification (germline): Uncertain significance (1 of 4 stars; one submission).

Allele frequency attached by ClinVar (database versions not stated): TOPMed below 0.00001; gnomAD 0.00001; gnomAD exomes 0.00002.
gnomAD v4.1: 33 of 1,551,486 alleles (0.0021%); highest among the groups gnomAD compares: Non-Finnish European, 0.0029%; no homozygotes.

Submission:

Labcorp Genetics (formerly Invitae), Labcorp
Classification: Uncertain significance. Last evaluated: 2024-08-22. Review status: criteria provided, single submitter. Criteria: Invitae Variant Classification Sherloc (09022015). Collection method: clinical testing. Allele origin: germline.
Comment: This sequence change replaces glutamic acid, which is acidic and polar, with lysine, which is basic and polar, at codon 289 of the FOXI3 protein (p.Glu289Lys). This variant is not present in population databases (gnomAD no frequency). This variant has not been reported in the literature in individuals affected with FOXI3-related conditions. ClinVar contains an entry for this variant (Variation ID: 2414203). Experimental studies and prediction algorithms are not available or were not evaluated, and the functional significance of this variant is currently unknown. In summary, the available evidence is currently insufficient to determine the role of this variant in disease. Therefore, it has been classified as a Variant of Uncertain Significance.

NM_001135649.3(FOXI3):c.865G>A (p.Glu289Lys)

Gene: FOXI3 (forkhead box I3; minus strand). Cytogenetic location: 2p11.2.
Variant type: single nucleotide variant.
Coding change: c.865G>A on transcript NM_001135649.3 (MANE Select); coding-DNA position 865, G replaced by A.
Protein change: p.Glu289Lys; replaces glutamic acid 289 with lysine.
Molecular consequence: missense variant.
Genome position (GRCh38, 1-based): chr2:88,448,605, C>T on the plus strand (G>A on the coding strand, the complement: FOXI3 is on the minus strand). VCF-style: chr2-88448605-C-T. GRCh37 (hg19) VCF-style: chr2-88748124-C-T.
Other names: short protein forms E289K.
Identifiers: ClinVar variation 2414203 (VCV002414203.6), dbSNP rs1675989731, ClinGen allele CA347765116.